The following is an entry in ClinVar:

ClinVar aggregate classification (germline): Pathogenic (1 of 4 stars; one submission).

Conditions:
GLUT1 deficiency syndrome 1, autosomal recessive. Identifiers: MedGen C3149117.

Submission:

Labcorp Genetics (formerly Invitae), Labcorp
Classification: Pathogenic for GLUT1 deficiency syndrome 1, autosomal recessive. Last evaluated: 2026-01-28. Review status: criteria provided, single submitter. Criteria: Invitae Variant Classification Sherloc (09022015). Collection method: clinical testing. Allele origin: germline.
Comment: This sequence change creates a premature translational stop signal (p.Glu146Glyfs*90) in the SLC2A1 gene. It is expected to result in an absent or disrupted protein product. Loss-of-function variants in SLC2A1 are known to be pathogenic (PMID: 21832227, 26193382). This variant is not present in population databases (gnomAD no frequency). This variant has not been reported in the literature in individuals affected with SLC2A1-related conditions. For these reasons, this variant has been classified as Pathogenic.

Literature cited by the submitters: PubMed 21832227; PubMed 26193382.

NM_006516.4(SLC2A1):c.437_438del (p.Glu146fs)

Gene: SLC2A1 (solute carrier family 2 member 1; minus strand). Cytogenetic location: 1p34.2.
Variant type: Deletion.
Coding change: c.437_438del on transcript NM_006516.4 (MANE Select); coding-DNA positions 437 to 438, 2 bases deleted (AA; older notation c.437_438delAA).
Protein change: p.Glu146fs; shifts the reading frame from glutamic acid 146.
Molecular consequence: frameshift variant.
Genome position (GRCh38, 1-based): chr1:42,930,704-42,930,705, TT deleted on the plus strand (AA on the coding strand, the reverse complement: SLC2A1 is on the minus strand). VCF-style (leftmost placement, unchanged base first): chr1-42930703-CTT-C. GRCh37 (hg19) VCF-style: chr1-43396374-CTT-C.
Other names: short protein forms E146fs.
Identifiers: ClinVar variation 4746807 (VCV004746807.1).
Genomic context (GRCh38, chr1:42,930,703, plus strand): 5'-CGACGACGATGCCCAGCTGGTGCAGGGTGCCCAGGGCCCCACGAAGGGCTGTGGGTGACA[CTT>C]CACCCACATACATGGGCACGAAGCCTGTGGTCAGGCCGCAGTACACACCGATGATGAAGC-3'